The following is an entry in ClinVar:

ClinVar aggregate classification (germline): Benign/Likely benign. Review status: criteria provided, multiple submitters, no conflicts (2 of 4 stars). 4 submissions from 4 submitters: Benign (2); Likely benign (2). Last evaluated 2026-01-09.

Conditions:
Junctional epidermolysis bullosa with pyloric atresia. Also called: EPIDERMOLYSIS BULLOSA, JUNCTIONAL 5B, WITH PYLORIC ATRESIA; APLASIA CUTIS CONGENITA WITH GASTROINTESTINAL ATRESIA; CARMI SYNDROME; EB-PA-ACC; Junctional Epidermolysis Bullosa- Pyloric Atresia Syndrome; Epidermolysis bullosa, junctional, with pyloric atresia and aplasia cutis congenita. Identifiers: Orphanet 79403, MedGen C5676875, MONDO:0009183, OMIM 226730.

Allele frequency attached by ClinVar (database versions not stated): ESP Exome Variant Server 0.00185; 1000 Genomes Project 30x 0.00187; TOPMed 0.00233; 1000 Genomes Project 0.00240.
gnomAD v4.1: 598 of 1,613,876 alleles (0.037%); highest among the groups gnomAD compares: African/African-American, 0.7%; 4 homozygotes.

Submissions (4):

Labcorp Genetics (formerly Invitae), Labcorp
Classification: Benign. Last evaluated: 2026-01-09. Review status: criteria provided, single submitter. Criteria: Invitae Variant Classification Sherloc (09022015). Collection method: clinical testing. Allele origin: germline.

CeGaT Center for Human Genetics Tuebingen
Classification: Likely benign. Last evaluated: 2025-12-01. Review status: criteria provided, single submitter. Criteria: CeGaT Center For Human Genetics Tuebingen Variant Classification Criteria Version 2. Collection method: clinical testing. Allele origin: germline. Affected: yes. Observed: 1 variant allele.
Comment: ITGB4: BP4, BP7

Blueprint Genetics
Classification: Likely benign. Last evaluated: 2024-11-13. Review status: criteria provided, single submitter. Criteria: ACMG Guidelines, 2015. Collection method: clinical testing. Allele origin: germline.

Illumina Laboratory Services, Illumina
Classification: Benign for Junctional epidermolysis bullosa with pyloric atresia. Last evaluated: 2017-04-27. Review status: criteria provided, single submitter. Criteria: ICSL Variant Classification Criteria 13 December 2019. Collection method: clinical testing. Allele origin: germline.
Comment: This variant was observed as part of a predisposition screen in an ostensibly healthy population. A literature search was performed for the gene, cDNA change, and amino acid change (where applicable). No publications were found based on this search. Allele frequency data from public databases was too high to be consistent with this variant causing disease. Therefore, this variant is classified as benign.

NM_000213.5(ITGB4):c.3384C>T (p.Gly1128=)

Gene: ITGB4 (integrin subunit beta 4; plus strand). Cytogenetic location: 17q25.1.
Variant type: single nucleotide variant.
Coding change: c.3384C>T on transcript NM_000213.5 (MANE Select); coding-DNA position 3384, C replaced by T.
Protein change: p.Gly1128=; no amino-acid change (glycine 1128 retained).
Molecular consequence: synonymous variant.
Genome position (GRCh38, 1-based): chr17:75,750,178, C>T. VCF-style: chr17-75750178-C-T. GRCh37 (hg19) VCF-style: chr17-73746259-C-T.
Other names: c.3384C>T, p.Gly1128= (NM_001005619.2, NM_001005731.3, NM_001321123.2).
Identifiers: ClinVar variation 728892 (VCV000728892.19), dbSNP rs111568842, ClinGen allele CA8769811.